The following is an entry in ClinVar:

NM_001130987.2(DYSF):c.5983T>G (p.Phe1995Val)

Gene: DYSF (dysferlin; plus strand). Cytogenetic location: 2p13.2.
Variant type: single nucleotide variant.
Coding change: c.5983T>G on transcript NM_001130987.2 (MANE Select); coding-DNA position 5983, T replaced by G.
Protein change: p.Phe1995Val; replaces phenylalanine 1995 with valine.
Molecular consequence: missense variant.
Genome position (GRCh38, 1-based): chr2:71,679,155, T>G. VCF-style: chr2-71679155-T-G. GRCh37 (hg19) VCF-style: chr2-71906285-T-G.
Other names: c.5869T>G, p.Phe1957Val (NM_001130455.2); c.5824T>G, p.Phe1942Val (NM_001130976.2); c.5887T>G, p.Phe1963Val (NM_001130977.2); c.5929T>G, p.Phe1977Val (NM_001130978.2); c.5959T>G, p.Phe1987Val (NM_001130979.2); c.5917T>G, p.Phe1973Val (NM_001130980.2); c.5980T>G, p.Phe1994Val (NM_001130981.2); c.5962T>G, p.Phe1988Val (NM_001130982.2); and 5 more; short protein forms F1942V, F1943V, F1956V, F1957V, F1963V, F1964V, F1973V, F1974V.
Identifiers: ClinVar variation 1011754 (VCV001011754.7), dbSNP rs1189744662, ClinGen allele CA347226424.

ClinVar aggregate classification (germline): Uncertain significance. Review status: criteria provided, single submitter (1 of 4 stars). 2 submissions from 2 submitters: Uncertain significance (1). 1 of the submissions does not count toward it. Last evaluated 2021-09-01.

Conditions:
Autosomal recessive limb-girdle muscular dystrophy type 2B (LGMDR2). Also called: Limb-girdle muscular dystrophy, type 2B; Limb-Girdle Muscular Dystrophy Type 2B (LGMD2B); MUSCULAR DYSTROPHY, LIMB-GIRDLE, AUTOSOMAL RECESSIVE 2; MUSCULAR DYSTROPHY, LIMB-GIRDLE, TYPE 3. Identifiers: Orphanet 268, MedGen C1850889, MONDO:0009676, OMIM 253601.
Neuromuscular disease caused by qualitative or quantitative defects of dysferlin. Also called: Dysferlinopathy; Qualitative or quantitative defects of dysferlin. Identifiers: Orphanet 207073, MedGen C2931687, MONDO:0016145.

Allele frequency attached by ClinVar (database versions not stated): gnomAD exomes below 0.00001; TOPMed below 0.00001; gnomAD 0.00001; 1000 Genomes Project 30x 0.00016.
gnomAD v4.1: 21 of 1,613,672 alleles (0.0013%); highest among the groups gnomAD compares: Non-Finnish European, 0.0016%; no homozygotes.

Submissions (2):

Labcorp Genetics (formerly Invitae), Labcorp
Classification: Uncertain significance for Neuromuscular disease caused by qualitative or quantitative defects of dysferlin. Last evaluated: 2021-09-01. Review status: criteria provided, single submitter. Criteria: Invitae Variant Classification Sherloc (09022015). Collection method: clinical testing. Allele origin: germline.
Comment: This sequence change replaces phenylalanine with valine at codon 1956 of the DYSF protein (p.Phe1956Val). The phenylalanine residue is moderately conserved and there is a small physicochemical difference between phenylalanine and valine. This variant is not present in population databases (ExAC no frequency). This variant has not been reported in the literature in individuals affected with DYSF-related conditions. Algorithms developed to predict the effect of missense changes on protein structure and function (SIFT, PolyPhen-2, Align-GVGD) all suggest that this variant is likely to be tolerated. In summary, the available evidence is currently insufficient to determine the role of this variant in disease. Therefore, it has been classified as a Variant of Uncertain Significance.

Natera, Inc.
Classification: Uncertain significance for Limb-girdle muscular dystrophy type 2B. Last evaluated: 2020-06-15. Review status: no assertion criteria provided. Collection method: clinical testing. Allele origin: germline. Not counted in ClinVar's aggregate classification.